The following is an entry in ClinVar:

NM_002691.4(POLD1):c.1265G>A (p.Gly422Asp)

Gene: POLD1 (DNA polymerase delta 1, catalytic subunit; plus strand). Cytogenetic location: 19q13.33.
Variant type: single nucleotide variant.
Coding change: c.1265G>A on transcript NM_002691.4 (MANE Select); coding-DNA position 1265, G replaced by A.
Protein change: p.Gly422Asp; replaces glycine 422 with aspartic acid.
Molecular consequence: missense variant. On other transcripts: non-coding transcript variant (1).
Genome position (GRCh38, 1-based): chr19:50,406,204, G>A. VCF-style: chr19-50406204-G-A. GRCh37 (hg19) VCF-style: chr19-50909461-G-A.
Other names: c.1265G>A, p.Gly422Asp (NM_001256849.1, NM_001308632.1); short protein forms G422D.
Identifiers: ClinVar variation 3005779 (VCV003005779.5), dbSNP rs772840420, ClinGen allele CA9596095.

ClinVar aggregate classification (germline): Uncertain significance. Review status: criteria provided, multiple submitters, no conflicts (2 of 4 stars). 2 submissions from 2 submitters: Uncertain significance (2). Last evaluated 2025-06-05.

Conditions:
POLD1-related polyposis and colorectal cancer syndrome (CRCS10). Also called: Colorectal cancer 10; COLORECTAL CANCER, SUSCEPTIBILITY TO, ON CHROMOSOME 19q; Colorectal cancer, susceptibility to, 10. Identifiers: Orphanet 220460, MedGen C2675481, MONDO:0012953, OMIM 612591.

Allele frequency attached by ClinVar (database versions not stated): ExAC 0.00002.

Submissions (2):

Labcorp Genetics (formerly Invitae), Labcorp
Classification: Uncertain significance for POLD1-related polyposis and colorectal cancer syndrome. Last evaluated: 2025-06-05. Review status: criteria provided, single submitter. Criteria: Invitae Variant Classification Sherloc (09022015). Collection method: clinical testing. Allele origin: germline.
Comment: This sequence change replaces glycine, which is neutral and non-polar, with aspartic acid, which is acidic and polar, at codon 422 of the POLD1 protein (p.Gly422Asp). This variant is present in population databases (rs772840420, gnomAD 0.002%). This variant has not been reported in the literature in individuals affected with POLD1-related conditions. ClinVar contains an entry for this variant (Variation ID: 3005779). Invitae Evidence Modeling of protein sequence and biophysical properties (such as structural, functional, and spatial information, amino acid conservation, physicochemical variation, residue mobility, and thermodynamic stability) indicates that this missense variant is expected to disrupt POLD1 protein function with a positive predictive value of 80%. In summary, the available evidence is currently insufficient to determine the role of this variant in disease. Therefore, it has been classified as a Variant of Uncertain Significance.

Dasa
Classification: Uncertain significance. Last evaluated: 2025-03-25. Review status: criteria provided, single submitter. Criteria: DASA Assertion Criteria. Collection method: clinical testing. Allele origin: germline.
Comment: NM_002691.4(POLD1):c.1265G>A (p.Gly422Asp) is a missense variant that results in the substitution of glycine with aspartic acid. This variant is rare in population databases. The currently available literature and clinical evidence are not sufficient to establish a definitive association between this variant and the reported condition. Therefore, this variant is classified as a variant of uncertain significance.